The following is an entry in ClinVar:

ClinVar aggregate classification (germline): Uncertain significance (1 of 4 stars; one submission).

Conditions:
T-cell immunodeficiency, congenital alopecia, and nail dystrophy. Also called: Congenital alopecia and nail dystrophy associated with severe functional T-cell immunodeficiency; Pignata Guarino syndrome. Identifiers: Orphanet 169095, MedGen C1866426, MONDO:0011132, OMIM 601705.

Allele frequency attached by ClinVar (database versions not stated): ExAC 0.00001.
gnomAD v4.1: 51 of 1,611,976 alleles (0.0032%); highest among the groups gnomAD compares: Non-Finnish European, 0.0039%; no homozygotes.

Submission:

Labcorp Genetics (formerly Invitae), Labcorp
Classification: Uncertain significance for T-cell immunodeficiency, congenital alopecia, and nail dystrophy. Last evaluated: 2025-05-05. Review status: criteria provided, single submitter. Criteria: Invitae Variant Classification Sherloc (09022015). Collection method: clinical testing. Allele origin: germline.
Comment: This sequence change replaces arginine, which is basic and polar, with cysteine, which is neutral and slightly polar, at codon 23 of the FOXN1 protein (p.Arg23Cys). The frequency data for this variant in the population databases is considered unreliable, as metrics indicate poor data quality at this position in the gnomAD database. This variant has not been reported in the literature in individuals affected with FOXN1-related conditions. ClinVar contains an entry for this variant (Variation ID: 1929855). An algorithm developed to predict the effect of missense changes on protein structure and function (PolyPhen-2) suggests that this variant is likely to be tolerated. In summary, the available evidence is currently insufficient to determine the role of this variant in disease. Therefore, it has been classified as a Variant of Uncertain Significance.

NM_001369369.1(FOXN1):c.67C>T (p.Arg23Cys)

Gene: FOXN1 (forkhead box N1; plus strand). Cytogenetic location: 17q11.2.
Variant type: single nucleotide variant.
Coding change: c.67C>T on transcript NM_001369369.1 (MANE Select); coding-DNA position 67, C replaced by T.
Protein change: p.Arg23Cys; replaces arginine 23 with cysteine.
Molecular consequence: missense variant.
Genome position (GRCh38, 1-based): chr17:28,524,036, C>T. VCF-style: chr17-28524036-C-T. GRCh37 (hg19) VCF-style: chr17-26851054-C-T.
Other names: c.67C>T, p.Arg23Cys (NM_003593.3); short protein forms R23C.
Identifiers: ClinVar variation 1929855 (VCV001929855.3), dbSNP rs745398444, ClinGen allele CA8459130.